The following is an entry in ClinVar:

NM_003680.4(YARS1):c.1273A>C (p.Asn425His)

Gene: YARS1 (tyrosyl-tRNA synthetase 1; minus strand). Cytogenetic location: 1p35.1.
Variant type: single nucleotide variant.
Coding change: c.1273A>C on transcript NM_003680.4 (MANE Select); coding-DNA position 1273, A replaced by C.
Protein change: p.Asn425His; replaces asparagine 425 with histidine.
Molecular consequence: missense variant.
Genome position (GRCh38, 1-based): chr1:32,780,146, T>G on the plus strand (A>C on the coding strand, the complement: YARS1 is on the minus strand). VCF-style: chr1-32780146-T-G. GRCh37 (hg19) VCF-style: chr1-33245747-T-G.
Other names: short protein forms N425H.
Identifiers: ClinVar variation 3647670 (VCV003647670.2).

ClinVar aggregate classification (germline): Uncertain significance (1 of 4 stars; one submission).

Conditions:
Charcot-Marie-Tooth disease dominant intermediate C (CMTDIC). Also called: CHARCOT-MARIE-TOOTH NEUROPATHY, DOMINANT INTERMEDIATE C. Identifiers: Orphanet 100045, MedGen C1842237, MONDO:0012012, OMIM 608323.

Submission:

Labcorp Genetics (formerly Invitae), Labcorp
Classification: Uncertain significance for Charcot-Marie-Tooth disease dominant intermediate C. Last evaluated: 2024-03-26. Review status: criteria provided, single submitter. Criteria: Invitae Variant Classification Sherloc (09022015). Collection method: clinical testing. Allele origin: germline.
Comment: This sequence change replaces asparagine, which is neutral and polar, with histidine, which is basic and polar, at codon 425 of the YARS protein (p.Asn425His). This variant is not present in population databases (gnomAD no frequency). This variant has not been reported in the literature in individuals affected with YARS-related conditions. Advanced modeling of protein sequence and biophysical properties (such as structural, functional, and spatial information, amino acid conservation, physicochemical variation, residue mobility, and thermodynamic stability) performed at Invitae indicates that this missense variant is expected to disrupt YARS protein function with a positive predictive value of 80%. In summary, the available evidence is currently insufficient to determine the role of this variant in disease. Therefore, it has been classified as a Variant of Uncertain Significance.